The following is an entry in ClinVar:

NM_007294.4(BRCA1):c.2936G>A (p.Arg979His)

Gene: BRCA1 (BRCA1 DNA repair associated; minus strand). Cytogenetic location: 17q21.31.
Variant type: single nucleotide variant.
Coding change: c.2936G>A on transcript NM_007294.4 (MANE Select); coding-DNA position 2936, G replaced by A.
Protein change: p.Arg979His; replaces arginine 979 with histidine.
Molecular consequence: missense variant. On other transcripts: intron variant (137).
Genome position (GRCh38, 1-based): chr17:43,092,595, C>T on the plus strand (G>A on the coding strand, the complement: BRCA1 is on the minus strand). VCF-style: chr17-43092595-C-T. GRCh37 (hg19) VCF-style: chr17-41244612-C-T.
Other names: c.2669G>A, p.Arg890His (NM_001407932.1, NM_001407934.1, NM_001407936.1 and 2 more transcripts); c.2672G>A, p.Arg891His (NM_001407933.1, NM_001407935.1, NM_001407920.1 and 9 more transcripts); c.2813G>A, p.Arg938His (NM_001407937.1, NM_001407938.1, NM_001407939.1 and 19 more transcripts); c.2810G>A, p.Arg937His (NM_001407940.1, NM_001407941.1, NM_001407649.1 and 11 more transcripts); c.2795G>A, p.Arg932His (NM_001407942.1, NM_001407944.1, NM_001407945.1 and 29 more transcripts); c.2792G>A, p.Arg931His (NM_001407943.1, NM_001407964.1, NM_001407740.1 and 20 more transcripts); c.2603G>A, p.Arg868His (NM_001407946.1, NM_001407947.1, NM_001407948.1 and 6 more transcripts); c.2600G>A, p.Arg867His (NM_001407954.1, NM_001407955.1, NM_001407956.1 and 1 more transcripts); and 41 more; short protein forms R979H, R932H, R931H, R937H, R938H, R978H, R811H, R891H.
Identifiers: ClinVar variation 54728 (VCV000054728.31), dbSNP rs80356985, ClinGen allele CA001918.
Genomic context (GRCh38, chr17:43,092,595, plus strand): 5'-AGCAGATTTTTCTTACATTTAGTTTTAACAAATGACTTGATGGGAAAAAGTGGTGGTATA[C>T]GATATGGGTTTTGTAAAAGTCCATGTTTATTTGGAGTAATGAGTCCAGTTTCGTTGCCTC-3'
Protein context (NP_009225.1, residues 969-989): NKHGLLQNPY[Arg979His]IPPLFPIKSF

ClinVar aggregate classification (germline): Conflicting classifications of pathogenicity. Review status: criteria provided, conflicting classifications (1 of 4 stars). 10 submissions from 10 submitters: Uncertain significance (5); Likely benign (4). 1 of the submissions does not count toward it. Last evaluated 2026-06-05.

Conditions:
Hereditary cancer-predisposing syndrome. Also called: Tumor predisposition; Neoplastic Syndromes, Hereditary; Hereditary Cancer Syndrome; Hereditary neoplastic syndrome. Identifiers: Orphanet 140162, MedGen C0027672, MeSH D009386, MONDO:0015356.
BRCA1-related disorder. Also called: BRCA1-related condition.
Hereditary breast ovarian cancer syndrome. Also called: Hereditary breast and ovarian cancer syndrome (HBOC); Hereditary breast and ovarian cancer syndrome; Hereditary breast and ovarian cancer; Hereditary breast and/or ovarian cancer syndrome; Breast and ovarian cancer; BRCA1- and BRCA2-Associated Hereditary Breast and Ovarian Cancer. Identifiers: Orphanet 145, MedGen C0677776, MeSH D061325, MONDO:0003582. Disease mechanism: loss of function.
Breast-ovarian cancer, familial, susceptibility to, 1 (BROVCA1). Also called: OVARIAN CANCER, SUSCEPTIBILITY TO; BRCA1 Hereditary Breast and Ovarian Cancer. Identifiers: Orphanet 145, MedGen C2676676, MONDO:0011450, OMIM 604370. Disease mechanism: loss of function.

Allele frequency attached by ClinVar (database versions not stated): ExAC 0.00001; gnomAD exomes 0.00001; gnomAD 0.00003 and 0.00004; TOPMed 0.00003.
gnomAD v4.1: 12 of 1,613,814 alleles (0.00074%); highest among the groups gnomAD compares: African/African-American, 0.0053%; no homozygotes.

Submissions (10):

Women's Health and Genetics/Laboratory Corporation of America, LabCorp
Classification: Uncertain significance. Last evaluated: 2026-06-05. Review status: criteria provided, single submitter. Criteria: LabCorp Variant Classification Summary - May 2015. Collection method: clinical testing. Allele origin: germline.
Comment: Variant summary: BRCA1 c.2936G>A (p.Arg979His) results in a non-conservative amino acid change in the encoded protein sequence. Algorithms developed to predict the effect of missense changes on protein structure and function are either unavailable or do not agree on the potential impact of this missense change. The variant allele was found at a frequency of 8e-06 in 251134 control chromosomes. The available data on variant occurrences in the general population are insufficient to allow any conclusion about variant significance. c.2936G>A has been observed in control individuals without cancer (e.g. Momozawa_2018, Okawa_2023) and in individual(s) affected with ovarian cancer or triple negative breast cancer (e.g. Janokova_2023, Wu_2024). These report(s) do not provide unequivocal conclusions about association of the variant with disease. To our knowledge, no experimental evidence demonstrating an impact on protein function has been reported. The following publications have been ascertained in the context of this evaluation (PMID: 30287823, 37121054, 36243179, 38566028). ClinVar contains an entry for this variant (Variation ID: 54728). Based on the evidence outlined above, the variant was classified as uncertain significance.

PreventionGenetics, part of Exact Sciences
Classification: Uncertain significance for BRCA1-related condition. Last evaluated: 2026-03-02. Review status: criteria provided, single submitter. Criteria: ACMG Guidelines, 2015. Collection method: clinical testing. Allele origin: germline.
Comment: The BRCA1 c.2936G>A variant is predicted to result in the amino acid substitution p.Arg979His. This variant has been reported in an individual with breast cancer (Supplementary File 5, Wu et al. 2024. PubMed ID: 38566028). This variant occurs within a region of the BRCA1 gene that is predicted to be tolerant to missense variation (Table 2, Dines et al. 2020. PubMed ID: 31911673). This variant is reported in 0.0081% of alleles in individuals of African descent in gnomAD. This variant has conflicting interpretations in ClinVar ranging from uncertain to likely benign (Variation ID: 54728). Although we suspect that this variant may be benign, at this time, the clinical significance of this variant is uncertain due to the absence of conclusive functional and genetic evidence.

Labcorp Genetics (formerly Invitae), Labcorp
Classification: Uncertain significance for Hereditary breast ovarian cancer syndrome. Last evaluated: 2025-12-09. Review status: criteria provided, single submitter. Criteria: Invitae Variant Classification Sherloc (09022015). Collection method: clinical testing. Allele origin: germline.
Comment: This sequence change replaces arginine, which is basic and polar, with histidine, which is basic and polar, at codon 979 of the BRCA1 protein (p.Arg979His). This variant is present in population databases (rs80356985, gnomAD 0.008%). This variant has not been reported in the literature in individuals affected with BRCA1-related conditions. ClinVar contains an entry for this variant (Variation ID: 54728). Invitae Evidence Modeling of protein sequence and biophysical properties (such as structural, functional, and spatial information, amino acid conservation, physicochemical variation, residue mobility, and thermodynamic stability) indicates that this missense variant is not expected to disrupt BRCA1 protein function with a negative predictive value of 80%. In summary, the available evidence is currently insufficient to determine the role of this variant in disease. Therefore, it has been classified as a Variant of Uncertain Significance.

Quest Diagnostics Nichols Institute San Juan Capistrano
Classification: Uncertain significance. Last evaluated: 2025-06-24. Review status: criteria provided, single submitter. Criteria: Quest Diagnostics criteria. Collection method: clinical testing. Allele origin: unknown.
Comment: The BRCA1 c.2936G>A (p.Arg979His) variant has been identified in the published literature in an individual with breast cancer (PMID: 38566028 (2024)), reportedly unaffected individuals (PMID: 31214711 (2020), 30287823 (2018)), and described to be located in a region of the BRCA1 gene that is tolerant to missense sequence changes (PMID: 31911673 (2020)). The frequency of this variant in the general population (Genome Aggregation Database) is uninformative in the assessment of its pathogenicity. Analysis of this variant using bioinformatics tools for the prediction of the effect of amino acid changes on protein structure and function yielded predictions that this variant is benign. Based on the available information, we are unable to determine the clinical significance of this variant.

GeneDx
Classification: Uncertain significance. Last evaluated: 2023-09-26. Review status: criteria provided, single submitter. Criteria: GeneDx Variant Classification Process June 2021. Collection method: clinical testing. Allele origin: germline. Affected: yes.
Comment: Observed in unaffected controls, but not in any breast or biliary tract cancer cases (Momozawa et al., 2018; Okawa et al., 2023); In silico analysis supports that this missense variant does not alter protein structure/function; Not observed at a significant frequency in large population cohorts (gnomAD); Also known as 3055G>A; This variant is associated with the following publications: (PMID: 10923033, 23704879, 29884841, 15343273, 32377563, 37121054, 30287823, 36243179)

All of Us Research Program, National Institutes of Health
Classification: Likely benign for Breast-ovarian cancer, familial, susceptibility to, 1. Last evaluated: 2023-06-26. Review status: criteria provided, single submitter. Criteria: ACMG Guidelines, 2015. Collection method: clinical testing. Allele origin: germline. Inheritance: Autosomal dominant inheritance. Observed: 1 variant allele, 1 heterozygote.
Comment: This study involves interpretation of variants in research participants for the purpose of population health screening. Participant phenotype was not available at the time of variant classification. Additional details can be found in publication PMID: 35346344, PMCID: PMC8962531

University of Washington Department of Laboratory Medicine, University of Washington
Classification: Likely benign for Hereditary cancer-predisposing syndrome. Last evaluated: 2023-03-23. Review status: criteria provided, single submitter. Criteria: Dines et al. (Genet Med. 2020). Collection method: curation. Allele origin: germline.
Comment: Missense variant in a coldspot region where missense variants are very unlikely to be pathogenic (PMID:31911673).

BRCA1 coldspot (exon 11 using historical exon numbering). Reclassification based on statistical prior probability

Ambry Genetics
Classification: Likely benign for Hereditary cancer-predisposing syndrome. Last evaluated: 2017-07-26. Review status: criteria provided, single submitter. Criteria: Ambry Variant Classification Scheme 2023. Collection method: clinical testing. Allele origin: germline.

Color Diagnostics, LLC DBA Color Health
Classification: Likely benign for Hereditary cancer-predisposing syndrome. Last evaluated: 2015-09-21. Review status: criteria provided, single submitter. Criteria: ACMG Guidelines, 2015. Collection method: clinical testing. Allele origin: germline.

Breast Cancer Information Core (BIC) (BRCA1)
Classification: Uncertain significance for Breast-ovarian cancer, familial 1. Last evaluated: 2004-11-25. Review status: no assertion criteria provided. Collection method: clinical testing. Allele origin: germline. Affected: yes. Observed: 1 variant allele. Not counted in ClinVar's aggregate classification.

Literature cited by the submitters: PubMed 30287823 (cited by Women's Health and Genetics/Laboratory Corporation of America, LabCorp and Quest Diagnostics Nichols Institute San Juan Capistrano); PubMed 36243179 (cited by Women's Health and Genetics/Laboratory Corporation of America, LabCorp); PubMed 38566028 (cited by Women's Health and Genetics/Laboratory Corporation of America, LabCorp and Quest Diagnostics Nichols Institute San Juan Capistrano); PubMed 37121054 (cited by Women's Health and Genetics/Laboratory Corporation of America, LabCorp); PubMed 31214711 (cited by Quest Diagnostics Nichols Institute San Juan Capistrano); PubMed 31911673 (cited by Quest Diagnostics Nichols Institute San Juan Capistrano).